The following is an entry in ClinVar:

ClinVar aggregate classification (germline): Uncertain significance (1 of 4 stars; one submission).

Conditions:
Autosomal recessive nonsyndromic hearing loss 39. Identifiers: Orphanet 90636, MedGen C1842342, MONDO:0012003, OMIM 608265.

Submission:

Diagnostics Services (NGS), CSIR - Centre For Cellular And Molecular Biology
Classification: Uncertain significance for Autosomal recessive nonsyndromic hearing loss 39. Last evaluated: 2022-09-07. Review status: criteria provided, single submitter. Criteria: ACMG Guidelines, 2015. Collection method: clinical testing. Allele origin: unknown. Affected: yes. Observed: 1 variant allele, 1 homozygote.
Comment: The c.1810T>C variation is not present in publicly available population databases like 1000 Genomes, EVS, ExAC and Indian Exome Database. The variant is also not present in our in-house exome database. The variant has neither been published in literature nor reported to clinical databases like ClinVar, Human Genome Mutation Database (HGMD) or OMIM, in any affected individuals. In-silico pathogenicity prediction programs like Polyphen-2, MutationTaster2, CADD, etc. predicted that this variant is likely deleterious, however these predictions were not confirmed by any published functional studies.

NM_000601.6(HGF):c.1810T>C (p.Cys604Arg)

Gene: HGF (hepatocyte growth factor; minus strand). Cytogenetic location: 7q21.11.
Variant type: single nucleotide variant.
Coding change: c.1810T>C on transcript NM_000601.6 (MANE Select); coding-DNA position 1810, T replaced by C.
Protein change: p.Cys604Arg; replaces cysteine 604 with arginine.
Molecular consequence: missense variant.
Genome position (GRCh38, 1-based): chr7:81,705,701, A>G on the plus strand (T>C on the coding strand, the complement: HGF is on the minus strand). VCF-style: chr7-81705701-A-G. GRCh37 (hg19) VCF-style: chr7-81335017-A-G.
Other names: c.1795T>C, p.Cys599Arg (NM_001010932.3); short protein forms C599R, C604R.
Identifiers: ClinVar variation 1802248 (VCV001802248.3), dbSNP rs2115766118, ClinGen allele CA367872553.